The following is an entry in ClinVar:

NM_000051.4(ATM):c.7482T>A (p.Asn2494Lys)

Genes: ATM (ATM serine/threonine kinase; plus strand), C11orf65 (chromosome 11 open reading frame 65; minus strand). Cytogenetic location: 11q22.3.
Variant type: single nucleotide variant.
Coding change: c.7482T>A on transcript NM_000051.4 (MANE Select); coding-DNA position 7482, T replaced by A.
Protein change: p.Asn2494Lys; replaces asparagine 2494 with lysine.
Molecular consequence: missense variant. On other transcripts: intron variant (2).
Genome position (GRCh38, 1-based): chr11:108,330,388, T>A. VCF-style: chr11-108330388-T-A. GRCh37 (hg19) VCF-style: chr11-108201115-T-A.
Other names: c.7482T>A, p.Asn2494Lys (NM_001351834.2); c.641-21317A>T (NM_001330368.2); c.*38+4832A>T (NM_001351110.2); short protein forms N2494K.
Identifiers: ClinVar variation 1759111 (VCV001759111.7), dbSNP rs2547264103, ClinGen allele CA382560488.

ClinVar aggregate classification (germline): Uncertain significance. Review status: criteria provided, multiple submitters, no conflicts (2 of 4 stars). 2 submissions from 2 submitters: Uncertain significance (2). Last evaluated 2023-06-29.

Conditions:
Ataxia-telangiectasia syndrome (AT). Also called: Ataxia telangiectasia (A-T); LOUIS-BAR SYNDROME; Cerebello-oculocutaneous telangiectasia; Immunodeficiency with ataxia telangiectasia; Ataxia-telangiectasia, complementation group D; AT, COMPLEMENTATION GROUP C. Identifiers: Orphanet 100, MedGen C0004135, MONDO:0008840, OMIM 208900.
Hereditary cancer-predisposing syndrome. Also called: Hereditary neoplastic syndrome; Neoplastic Syndromes, Hereditary; Tumor predisposition; Hereditary Cancer Syndrome. Identifiers: Orphanet 140162, MedGen C0027672, MeSH D009386, MONDO:0015356.

Submissions (2):

Labcorp Genetics (formerly Invitae), Labcorp
Classification: Uncertain significance for Ataxia-telangiectasia syndrome. Last evaluated: 2023-06-29. Review status: criteria provided, single submitter. Criteria: Invitae Variant Classification Sherloc (09022015). Collection method: clinical testing. Allele origin: germline.
Comment: In summary, the available evidence is currently insufficient to determine the role of this variant in disease. Therefore, it has been classified as a Variant of Uncertain Significance. An algorithm developed to predict the effect of missense changes on protein structure and function (PolyPhen-2) suggests that this variant is likely to be disruptive. This sequence change replaces asparagine, which is neutral and polar, with lysine, which is basic and polar, at codon 2494 of the ATM protein (p.Asn2494Lys). ClinVar contains an entry for this variant (Variation ID: 1759111). This variant has not been reported in the literature in individuals affected with ATM-related conditions. This variant is not present in population databases (gnomAD no frequency).

Ambry Genetics
Classification: Uncertain significance for Hereditary cancer-predisposing syndrome. Last evaluated: 2022-04-02. Review status: criteria provided, single submitter. Criteria: Ambry Variant Classification Scheme 2023. Collection method: clinical testing. Allele origin: germline.
Comment: The p.N2494K variant (also known as c.7482T>A), located in coding exon 49 of the ATM gene, results from a T to A substitution at nucleotide position 7482. The asparagine at codon 2494 is replaced by lysine, an amino acid with similar properties. This amino acid position is conserved. In addition, the in silico prediction for this alteration is inconclusive. Since supporting evidence is limited at this time, the clinical significance of this alteration remains unclear.